The following is an entry in ClinVar:

ClinVar aggregate classification (germline): Uncertain significance. Review status: criteria provided, multiple submitters, no conflicts (2 of 4 stars). 2 submissions from 2 submitters: Uncertain significance (2). Last evaluated 2025-12-31.

Conditions:
Hereditary cancer-predisposing syndrome. Also called: Hereditary Cancer Syndrome; Hereditary neoplastic syndrome; Neoplastic Syndromes, Hereditary; Tumor predisposition. Identifiers: Orphanet 140162, MedGen C0027672, MeSH D009386, MONDO:0015356.
Tumor predisposition syndrome 3 (TPDS3). Also called: Melanoma, cutaneous malignant, susceptibility to, 10; Glioma susceptibility 9; LONG TELOMERE SYNDROME, POT1-RELATED; POT1 Tumor Predisposition. Identifiers: Orphanet 618, MedGen C4014476, MONDO:0014368, OMIM 615848.

Allele frequency attached by ClinVar (database versions not stated): gnomAD exomes below 0.00001.
gnomAD v4.1: 1 of 1,521,738 alleles (0.000066%); no homozygotes.

Submissions (2):

Labcorp Genetics (formerly Invitae), Labcorp
Classification: Uncertain significance for Tumor predisposition syndrome 3. Last evaluated: 2025-12-31. Review status: criteria provided, single submitter. Criteria: Invitae Variant Classification Sherloc (09022015). Collection method: clinical testing. Allele origin: germline.
Comment: This sequence change replaces glutamine, which is neutral and polar, with lysine, which is basic and polar, at codon 16 of the POT1 protein (p.Gln16Lys). This variant is not present in population databases (gnomAD no frequency). This variant has not been reported in the literature in individuals affected with POT1-related conditions. ClinVar contains an entry for this variant (Variation ID: 1742532). Invitae Evidence Modeling of protein sequence and biophysical properties (such as structural, functional, and spatial information, amino acid conservation, physicochemical variation, residue mobility, and thermodynamic stability) indicates that this missense variant is not expected to disrupt POT1 protein function with a negative predictive value of 80%. In summary, the available evidence is currently insufficient to determine the role of this variant in disease. Therefore, it has been classified as a Variant of Uncertain Significance.

Ambry Genetics
Classification: Uncertain significance for Hereditary cancer-predisposing syndrome. Last evaluated: 2020-05-28. Review status: criteria provided, single submitter. Criteria: Ambry Variant Classification Scheme 2023. Collection method: clinical testing. Allele origin: germline.
Comment: The p.Q16K variant (also known as c.46C>A), located in coding exon 2 of the POT1 gene, results from a C to A substitution at nucleotide position 46. The glutamine at codon 16 is replaced by lysine, an amino acid with similar properties. This amino acid position is not well conserved in available vertebrate species. In addition, this alteration is predicted to be tolerated by in silico analysis. Since supporting evidence is limited at this time, the clinical significance of this alteration remains unclear.

NM_015450.3(POT1):c.46C>A (p.Gln16Lys)

Gene: POT1 (protection of telomeres 1; minus strand). Cytogenetic location: 7q31.33.
Variant type: single nucleotide variant.
Coding change: c.46C>A on transcript NM_015450.3 (MANE Select); coding-DNA position 46, C replaced by A.
Protein change: p.Gln16Lys; replaces glutamine 16 with lysine.
Molecular consequence: missense variant. On other transcripts: 5 prime UTR variant (1), non-coding transcript variant (3).
Genome position (GRCh38, 1-based): chr7:124,892,344, G>T on the plus strand (C>A on the coding strand, the complement: POT1 is on the minus strand). VCF-style: chr7-124892344-G-T. GRCh37 (hg19) VCF-style: chr7-124532398-G-T.
Other names: c.-217C>A (NM_001042594.2); short protein forms Q16K.
Identifiers: ClinVar variation 1742532 (VCV001742532.5), dbSNP rs2485562832, ClinGen allele CA369066209.